The following is an entry in ClinVar:

ClinVar aggregate classification (germline): Uncertain significance. Review status: criteria provided, multiple submitters, no conflicts (2 of 4 stars). 3 submissions from 3 submitters: Uncertain significance (3). Last evaluated 2022-03-27.

Conditions:
Primary ciliary dyskinesia. Also called: Ciliary dyskinesia. Identifiers: Orphanet 244, MedGen C0008780, MONDO:0016575, HP:0012265.
Primary ciliary dyskinesia 7. Also called: CILIARY DYSKINESIA, PRIMARY, 7, WITH OR WITHOUT SITUS INVERSUS. Identifiers: Orphanet 244, MedGen C2678473, MONDO:0012748, OMIM 611884.

Submissions (5):

Labcorp Genetics (formerly Invitae), Labcorp
Classification: Uncertain significance for Primary ciliary dyskinesia. Last evaluated: 2022-03-27. Review status: criteria provided, single submitter. Criteria: Invitae Variant Classification Sherloc (09022015). Collection method: clinical testing. Allele origin: germline.
Comment: This sequence change replaces glycine, which is neutral and non-polar, with cysteine, which is neutral and slightly polar, at codon 4435 of the DNAH11 protein (p.Gly4435Cys). This variant also falls at the last nucleotide of exon 81, which is part of the consensus splice site for this exon. This variant is not present in population databases (gnomAD no frequency). This variant has not been reported in the literature in individuals affected with DNAH11-related conditions. ClinVar contains an entry for this variant (Variation ID: 909853). Algorithms developed to predict the effect of missense changes on protein structure and function are either unavailable or do not agree on the potential impact of this missense change (SIFT: "Deleterious"; PolyPhen-2: "Probably Damaging"; Align-GVGD: "Class C0"). Variants that disrupt the consensus splice site are a relatively common cause of aberrant splicing (PMID: 17576681, 9536098). Algorithms developed to predict the effect of sequence changes on RNA splicing suggest that this variant may disrupt the consensus splice site. In summary, the available evidence is currently insufficient to determine the role of this variant in disease. Therefore, it has been classified as a Variant of Uncertain Significance.

Ambry Genetics
Classification: Uncertain significance for Primary ciliary dyskinesia. Last evaluated: 2018-05-10. Review status: criteria provided, single submitter. Criteria: Ambry Variant Classification Scheme 2023. Collection method: clinical testing. Allele origin: germline.
Comment: The B variant (also known as c.13303G>T), located in coding exon 81 of the DNAH11 gene, results from a G to T substitution at nucleotide position 13303. The amino acid change results in glycine to cysteine at codon 4435, an amino acid with highly dissimilar properties. However, this change occurs in the last base pair of coding exon 81, which makes it likely to have some effect on normal mRNA splicing. This amino acid position is highly conserved in available vertebrate species. Using the BDGP and ESEfinder splice site prediction tools, this alteration is predicted to weaken the efficiency of the native splice donor site; however, direct evidence is unavailable. In addition, the in silico prediction for this alteration is inconclusive. Since supporting evidence is limited at this time, the clinical significance of this alteration remains unclear.

Illumina Laboratory Services, Illumina
Classification: Uncertain significance for Primary ciliary dyskinesia 7. Last evaluated: 2018-01-12. Review status: criteria provided, single submitter. Criteria: ICSL Variant Classification Criteria 13 December 2019. Collection method: clinical testing. Allele origin: germline.

Dr. Peter K. Rogan Lab, Western University
No classification provided (evidence only). Condition: Melanoma. Review status: no classification provided. Collection method: in vitro. Allele origin: not applicable. Functional consequence: retained intron. Not counted in ClinVar's aggregate classification.

Dr. Peter K. Rogan Lab, Western University
No classification provided (evidence only). Condition: Gastric cancer. Review status: no classification provided. Collection method: in vitro. Allele origin: not applicable. Functional consequence: retained intron. Not counted in ClinVar's aggregate classification.

Literature cited by the submitters: PubMed 17576681 (cited by Labcorp Genetics (formerly Invitae), Labcorp); PubMed 9536098 (cited by Labcorp Genetics (formerly Invitae), Labcorp).

NM_001277115.2(DNAH11):c.13303G>T (p.Gly4435Cys)

Gene: DNAH11 (dynein axonemal heavy chain 11; plus strand). Cytogenetic location: 7p15.3.
Variant type: single nucleotide variant.
Coding change: c.13303G>T on transcript NM_001277115.2 (MANE Select); coding-DNA position 13303, G replaced by T.
Protein change: p.Gly4435Cys; replaces glycine 4435 with cysteine.
Molecular consequence: missense variant.
Genome position (GRCh38, 1-based): chr7:21,900,120, G>T. VCF-style: chr7-21900120-G-T. GRCh37 (hg19) VCF-style: chr7-21939738-G-T.
Other names: short protein forms G4435C.
Identifiers: ClinVar variation 909853 (VCV000909853.9), dbSNP rs1044815255, ClinGen allele CA155113296.
Genomic context (GRCh38, chr7:21,900,120, plus strand): 5'-AAGGAAGATTATGGACACCCGCCAAGGGAAGGTGCATACCTCCACGGACTCTTCATGGAG[G>T]GTAAGACACCCCAAGGGGTAAGTGGGGAACCTTTTCTTACTCAGGTTCAGATCAGTGTTT-3'
Protein context (NP_001264044.1, residues 4425-4445): GAYLHGLFME[Gly4435Cys]ARWDTQAGTI